The following is an entry in ClinVar:

ClinVar aggregate classification (germline): Pathogenic (1 of 4 stars; one submission).

Conditions:
Spastic paraplegia. Identifiers: MedGen C0037772, HP:0001258.

Submission:

Labcorp Genetics (formerly Invitae), Labcorp
Classification: Pathogenic for Spastic paraplegia. Last evaluated: 2023-12-12. Review status: criteria provided, single submitter. Criteria: Invitae Variant Classification Sherloc (09022015). Collection method: clinical testing. Allele origin: germline.
Comment: This sequence change creates a premature translational stop signal (p.Ala8Profs*91) in the FA2H gene. It is expected to result in an absent or disrupted protein product. Loss-of-function variants in FA2H are known to be pathogenic (PMID: 20853438, 25496456, 25732363, 26344562). This variant is not present in population databases (gnomAD no frequency). This premature translational stop signal has been observed in individuals with hereditary spastic paraplegia (PMID: 27165006, 31135052). It has also been observed to segregate with disease in related individuals. ClinVar contains an entry for this variant (Variation ID: 1073882). For these reasons, this variant has been classified as Pathogenic.

Literature cited by the submitters: PubMed 20853438; PubMed 25496456; PubMed 25732363; PubMed 26344562; PubMed 27165006; PubMed 31135052.

NM_024306.5(FA2H):c.21del (p.Ala8fs)

Genes: FA2H (fatty acid 2-hydroxylase; minus strand), LOC130059394 (ATAC-STARR-seq lymphoblastoid silent region 7701; plus strand). Cytogenetic location: 16q23.1.
Variant type: Deletion.
Coding change: c.21del on transcript NM_024306.5 (MANE Select); coding-DNA position 21, one base deleted (C; older notation c.21delC).
Protein change: p.Ala8fs; shifts the reading frame from alanine 8.
Molecular consequence: frameshift variant.
Genome position (GRCh38, 1-based): chr16:74,774,735, G deleted on the plus strand (C on the coding strand, the reverse complement: FA2H is on the minus strand); the first of 6 consecutive G bases (chr16:74,774,735-74,774,740); deleting any one gives the same sequence. VCF-style (leftmost placement, unchanged base first): chr16-74774734-CG-C. GRCh37 (hg19) VCF-style: chr16-74808632-CG-C.
Other names: short protein forms A8fs.
Identifiers: ClinVar variation 1073882 (VCV001073882.9), dbSNP rs1962978296, ClinGen allele CA623582390.